The following is an entry in ClinVar:

NM_001374353.1(GLI2):c.1977C>A (p.Asn659Lys)

Gene: GLI2 (GLI family zinc finger 2; plus strand). Cytogenetic location: 2q14.2.
Variant type: single nucleotide variant.
Coding change: c.1977C>A on transcript NM_001374353.1 (MANE Select); coding-DNA position 1977, C replaced by A.
Protein change: p.Asn659Lys; replaces asparagine 659 with lysine.
Molecular consequence: missense variant.
Genome position (GRCh38, 1-based): chr2:120,986,349, C>A. VCF-style: chr2-120986349-C-A. GRCh37 (hg19) VCF-style: chr2-121743925-C-A.
Other names: c.2028C>A, p.Asn676Lys (NM_001371271.1, NM_005270.5); c.1602C>A, p.Asn534Lys (NM_001374354.1); short protein forms N534K, N659K, N676K.
Identifiers: ClinVar variation 3356125 (VCV003356125.1).

ClinVar aggregate classification (germline): Uncertain significance (0 of 4 stars; one submission).

Conditions:
GLI2-related disorder. Also called: GLI2-related condition; GLI2-related disorders.

Submission:

PreventionGenetics, part of Exact Sciences
Classification: Uncertain significance for GLI2-related condition. Last evaluated: 2024-05-09. Review status: no assertion criteria provided. Collection method: clinical testing. Allele origin: germline.
Comment: The GLI2 c.2028C>A variant is predicted to result in the amino acid substitution p.Asn676Lys. To our knowledge, this variant has not been reported in the literature or in a large population database, indicating this variant is rare. At this time, the clinical significance of this variant is uncertain due to the absence of conclusive functional and genetic evidence.